The following is an entry in ClinVar:

NM_032242.4(PLXNA1):c.4086G>A (p.Leu1362=)

Gene: PLXNA1 (plexin A1; plus strand). Cytogenetic location: 3q21.3.
Variant type: single nucleotide variant.
Coding change: c.4086G>A on transcript NM_032242.4 (MANE Select); coding-DNA position 4086, G replaced by A.
Protein change: p.Leu1362=; no amino-acid change (leucine 1362 retained).
Molecular consequence: synonymous variant.
Genome position (GRCh38, 1-based): chr3:127,022,132, G>A. VCF-style: chr3-127022132-G-A. GRCh37 (hg19) VCF-style: chr3-126740975-G-A.
Identifiers: ClinVar variation 3353327 (VCV003353327.1).

ClinVar aggregate classification (germline): Likely benign (0 of 4 stars; one submission).

Conditions:
PLXNA1-related disorder. Also called: PLXNA1-related condition.

gnomAD v4.1: 2 of 1,613,268 alleles (0.00012%); highest among the groups gnomAD compares: Admixed American, 0.0033%; no homozygotes.

Submission:

PreventionGenetics, part of Exact Sciences
Classification: Likely benign for PLXNA1-related condition. Last evaluated: 2023-10-10. Review status: no assertion criteria provided. Collection method: clinical testing. Allele origin: germline.
Comment: This variant is classified as likely benign based on ACMG/AMP sequence variant interpretation guidelines (Richards et al. 2015 PMID: 25741868, with internal and published modifications).